The following is an entry in ClinVar:

NM_022834.5(VWA1):c.419T>C (p.Val140Ala)

Gene: VWA1 (von Willebrand factor A domain containing 1; plus strand). Cytogenetic location: 1p36.33.
Variant type: single nucleotide variant.
Coding change: c.419T>C on transcript NM_022834.5 (MANE Select); coding-DNA position 419, T replaced by C.
Protein change: p.Val140Ala; replaces valine 140 with alanine.
Molecular consequence: missense variant. On other transcripts: intron variant (1).
Genome position (GRCh38, 1-based): chr1:1,437,272, T>C. VCF-style: chr1-1437272-T-C. GRCh37 (hg19) VCF-style: chr1-1372652-T-C.
Other names: c.74-50T>C (NM_199121.3); short protein forms V140A.
Identifiers: ClinVar variation 5007673 (VCV005007673.2).

ClinVar aggregate classification (germline): Uncertain significance (1 of 4 stars; one submission).

Conditions:
Neuronopathy, distal hereditary motor, autosomal recessive 7. Also called: NEUROPATHY, DISTAL HEREDITARY MOTOR, AUTOSOMAL RECESSIVE 7; NEUROPATHY, HEREDITARY MOTOR, WITH MYOPATHIC FEATURES. Identifiers: MedGen C5543119, MONDO:0030977, OMIM 619216.

Submission:

Juno Genomics, Hangzhou Juno Genomics, Inc
Classification: Uncertain significance for Neuronopathy, distal hereditary motor, autosomal recessive 7. Review status: criteria provided, single submitter. Criteria: ACMG Guidelines, 2015. Collection method: clinical testing. Allele origin: germline.
Comment: Absent from controls (or at extremely low frequency if recessive) in Genome Aggregation Database.;Multiple lines of computational evidence support a deleterious effect on the gene or gene product.